The following is an entry in ClinVar:

ClinVar aggregate classification (germline): Uncertain significance (1 of 4 stars; one submission).

Submission:

Ambry Genetics
Classification: Uncertain significance. Last evaluated: 2026-03-30. Review status: criteria provided, single submitter. Criteria: Ambry Variant Classification Scheme 2023. Collection method: clinical testing. Allele origin: germline.
Comment: The p.Q530P variant (also known as c.1589A>C), located in coding exon 1 of the TET2 gene, results from an A to C substitution at nucleotide position 1589. The glutamine at codon 530 is replaced by proline, an amino acid with similar properties. This amino acid position is conserved. In addition, this alteration is predicted to be tolerated by in silico analysis. Based on the available evidence, the clinical significance of this variant remains unclear.

NM_001127208.3(TET2):c.1589A>C (p.Gln530Pro)

Genes: TET2 (tet methylcytosine dioxygenase 2; plus strand), TET2-AS1 (TET2 antisense RNA 1; minus strand). Cytogenetic location: 4q24.
Variant type: single nucleotide variant.
Coding change: c.1589A>C on transcript NM_001127208.3 (MANE Select); coding-DNA position 1589, A replaced by C.
Protein change: p.Gln530Pro; replaces glutamine 530 with proline.
Molecular consequence: missense variant.
Genome position (GRCh38, 1-based): chr4:105,235,531, A>C. VCF-style: chr4-105235531-A-C. GRCh37 (hg19) VCF-style: chr4-106156688-A-C.
Other names: c.1589A>C, p.Gln530Pro (NM_017628.4); short protein forms Q530P.
Identifiers: ClinVar variation 4865517 (VCV004865517.1).
Genomic context (GRCh38, chr4:105,235,531, plus strand): 5'-AACACCTCAAGCATAACCCACCAATTTTTGGTAGCAGTGGAGAGCTACAGGACAACTGCC[A>C]GCAGTTGATGAGAAACAAAGAGCAAGAGATTCTGAAGGGTCGAGACAAGGAGCAAACACG-3'
Protein context (NP_001120680.1, residues 520-540): GSSGELQDNC[Gln530Pro]QLMRNKEQEI